The following is an entry in ClinVar:

NM_001557.4(CXCR2):c.232G>A (p.Val78Ile)

Gene: CXCR2 (C-X-C motif chemokine receptor 2; plus strand). Cytogenetic location: 2q35.
Variant type: single nucleotide variant.
Coding change: c.232G>A on transcript NM_001557.4 (MANE Select); coding-DNA position 232, G replaced by A.
Protein change: p.Val78Ile; replaces valine 78 with isoleucine.
Molecular consequence: missense variant.
Genome position (GRCh38, 1-based): chr2:218,135,033, G>A. VCF-style: chr2-218135033-G-A. GRCh37 (hg19) VCF-style: chr2-218999756-G-A.
Other names: c.232G>A, p.Val78Ile (NM_001168298.2); short protein forms V78I.
Identifiers: ClinVar variation 2821307 (VCV002821307.3), dbSNP rs2469113797, ClinGen allele CA350528898.

ClinVar aggregate classification (germline): Uncertain significance (1 of 4 stars; one submission).

Submission:

Labcorp Genetics (formerly Invitae), Labcorp
Classification: Uncertain significance. Last evaluated: 2023-08-04. Review status: criteria provided, single submitter. Criteria: Invitae Variant Classification Sherloc (09022015). Collection method: clinical testing. Allele origin: germline.
Comment: In summary, the available evidence is currently insufficient to determine the role of this variant in disease. Therefore, it has been classified as a Variant of Uncertain Significance. This sequence change replaces valine, which is neutral and non-polar, with isoleucine, which is neutral and non-polar, at codon 78 of the CXCR2 protein (p.Val78Ile). This variant is not present in population databases (gnomAD no frequency). This variant has not been reported in the literature in individuals affected with CXCR2-related conditions. Algorithms developed to predict the effect of missense changes on protein structure and function output the following: SIFT: "Not Available"; PolyPhen-2: "Benign"; Align-GVGD: "Not Available". The isoleucine amino acid residue is found in multiple mammalian species, which suggests that this missense change does not adversely affect protein function.